The following is an entry in ClinVar:

NM_001330078.2(NRXN1):c.3653C>T (p.Thr1218Met)

Gene: NRXN1 (neurexin 1; minus strand). Cytogenetic location: 2p16.3.
Variant type: single nucleotide variant.
Coding change: c.3653C>T on transcript NM_001330078.2 (MANE Select); coding-DNA position 3653, C replaced by T.
Protein change: p.Thr1218Met; replaces threonine 1218 with methionine.
Molecular consequence: missense variant.
Genome position (GRCh38, 1-based): chr2:50,091,388, G>A on the plus strand (C>T on the coding strand, the complement: NRXN1 is on the minus strand). VCF-style: chr2-50091388-G-A. GRCh37 (hg19) VCF-style: chr2-50318526-G-A.
Other names: c.3542C>T, p.Thr1181Met (NM_001330096.2, NM_001330087.2); c.548C>T, p.Thr183Met (NM_001330097.2, NM_138735.5, NM_001330091.2 and 1 more transcripts); c.3653C>T, p.Thr1218Met (NM_004801.6, NM_001330086.2); c.3773C>T, p.Thr1258Met (NM_001135659.3); c.3629C>T, p.Thr1210Met (NM_001330077.2, NM_001330082.2); c.3587C>T, p.Thr1196Met (NM_001330083.2, NM_001330084.2); c.3626C>T, p.Thr1209Met (NM_001330085.2); c.3572C>T, p.Thr1191Met (NM_001330088.2); and 4 more; short protein forms T1258M, T1201M, T1209M, T1191M, T1196M, T1214M, T1217M, T1218M.
Identifiers: ClinVar variation 430235 (VCV000430235.13), dbSNP rs201720955, ClinGen allele CA1654400.

ClinVar aggregate classification (germline): Uncertain significance. Review status: criteria provided, multiple submitters, no conflicts (2 of 4 stars). 3 submissions from 3 submitters: Uncertain significance (3). Last evaluated 2025-10-23.

Conditions:
Pitt-Hopkins-like syndrome 2 (PTHSL2). Identifiers: Orphanet 221150, Orphanet 600663, MedGen C3280479, MONDO:0013690, OMIM 614325.

Allele frequency attached by ClinVar (database versions not stated): gnomAD 0.00003 and 0.00002; TOPMed 0.00003; ExAC 0.00001; gnomAD exomes 0.00002.
gnomAD v4.1: 56 of 1,614,042 alleles (0.0035%); highest among the groups gnomAD compares: African/African-American, 0.0053%; no homozygotes.

Submissions (3):

Labcorp Genetics (formerly Invitae), Labcorp
Classification: Uncertain significance for Pitt-Hopkins-like syndrome 2. Last evaluated: 2025-10-23. Review status: criteria provided, single submitter. Criteria: Invitae Variant Classification Sherloc (09022015). Collection method: clinical testing. Allele origin: germline.
Comment: This sequence change replaces threonine, which is neutral and polar, with methionine, which is neutral and non-polar, at codon 1258 of the NRXN1 protein (p.Thr1258Met). This variant is present in population databases (rs201720955, gnomAD 0.008%). This variant has not been reported in the literature in individuals affected with NRXN1-related conditions. ClinVar contains an entry for this variant (Variation ID: 430235). Invitae Evidence Modeling of protein sequence and biophysical properties (such as structural, functional, and spatial information, amino acid conservation, physicochemical variation, residue mobility, and thermodynamic stability) has been performed for this missense variant. However, the output from this modeling did not meet the statistical confidence thresholds required to predict the impact of this variant on NRXN1 protein function. In summary, the available evidence is currently insufficient to determine the role of this variant in disease. Therefore, it has been classified as a Variant of Uncertain Significance.

Pittsburgh Clinical Genomics Laboratory, University of Pittsburgh Medical Center
Classification: Uncertain significance for Pitt-Hopkins-like syndrome 2. Last evaluated: 2021-08-05. Review status: criteria provided, single submitter. Criteria: ACMG Guidelines, 2015. Collection method: clinical testing. Allele origin: germline. Inheritance: Autosomal recessive inheritance. Affected: yes.
Comment: This sequence variant is a single nucleotide substitution (C>T) that results in a threonine to methionine amino acid change at position 1258 of the NRXN1 protien. This is a previously reported variant (ClinVar), that has not been observed in the literature in individuals with NRXN1-related disease, to our knowledge. This variant is rare in control population datasets (gnomAD database, 5/282864 alleles or 0.0017%). Bioinformatic tools predict that this variant would be damaging, and the Thr1258 residue is highly conserved across the vertebrate species examined. Functiol studies examining the effect of this variant on protein structure or activity have not been performed, to our knowledge. At this time, there is insufficient evidence to determine if this variant is pathogenic or benign. Therefore we consider this to be a variant of uncertain significance. ACMG Criteria: BP1, PM2, PP3

GeneDx
Classification: Uncertain significance. Last evaluated: 2019-06-27. Review status: criteria provided, single submitter. Criteria: GeneDx Variant Classification Process June 2021. Collection method: clinical testing. Allele origin: germline. Affected: yes.
Comment: In silico analysis, which includes protein predictors and evolutionary conservation, supports a deleterious effect; Missense variant in a gene in which most reported pathogenic variants are truncating/loss-of-function; Has not been previously published as pathogenic or benign to our knowledge